The following is an entry in ClinVar:

NM_000327.4(ROM1):c.70C>T (p.Leu24Phe)

Gene: ROM1 (retinal outer segment membrane protein 1; plus strand). Cytogenetic location: 11q12.3.
Variant type: single nucleotide variant.
Coding change: c.70C>T on transcript NM_000327.4 (MANE Select); coding-DNA position 70, C replaced by T.
Protein change: p.Leu24Phe; replaces leucine 24 with phenylalanine.
Molecular consequence: missense variant.
Genome position (GRCh38, 1-based): chr11:62,613,351, C>T. VCF-style: chr11-62613351-C-T. GRCh37 (hg19) VCF-style: chr11-62380823-C-T.
Other names: short protein forms L24F.
Identifiers: ClinVar variation 305161 (VCV000305161.9), dbSNP rs766769824, ClinGen allele CA6049639.
Genomic context (GRCh38, chr11:62,613,351, plus strand): 5'-GTGTTGCCCCTGGTGCTGCCCCTGCAGCCCCGCATCCGCCTGGCACAAGGGCTCTGGCTC[C>T]TCTCCTGGCTGCTGGCGCTGGCTGGTGGCGTCATCCTCCTCTGTAGTGGGCACCTCCTGG-3'
Protein context (NP_000318.2, residues 14-34): RIRLAQGLWL[Leu24Phe]SWLLALAGGV

ClinVar aggregate classification (germline): Uncertain significance. Review status: criteria provided, multiple submitters, no conflicts (2 of 4 stars). 3 submissions from 3 submitters: Uncertain significance (3). Last evaluated 2024-09-12.

Conditions:
Retinitis pigmentosa (RP). Identifiers: Orphanet 791, MedGen C0035334, MeSH D012174, MONDO:0019200, OMIM 268000. Inheritance: Autosomal dominant, autosomal recessive and X linked inheritance.

Allele frequency attached by ClinVar (database versions not stated): gnomAD 0.00001 and 0.00003; TOPMed 0.00001; ExAC 0.00002; gnomAD exomes 0.00002.

Submissions (3):

Blueprint Genetics
Classification: Uncertain significance. Last evaluated: 2024-09-12. Review status: criteria provided, single submitter. Criteria: ACMG Guidelines, 2015. Collection method: clinical testing. Allele origin: germline.

Labcorp Genetics (formerly Invitae), Labcorp
Classification: Uncertain significance. Last evaluated: 2023-07-19. Review status: criteria provided, single submitter. Criteria: Invitae Variant Classification Sherloc (09022015). Collection method: clinical testing. Allele origin: germline.
Comment: This sequence change replaces leucine, which is neutral and non-polar, with phenylalanine, which is neutral and non-polar, at codon 24 of the ROM1 protein (p.Leu24Phe). This variant is present in population databases (rs766769824, gnomAD 0.03%). This variant has not been reported in the literature in individuals affected with ROM1-related conditions. ClinVar contains an entry for this variant (Variation ID: 305161). Advanced modeling of protein sequence and biophysical properties (such as structural, functional, and spatial information, amino acid conservation, physicochemical variation, residue mobility, and thermodynamic stability) performed at Invitae indicates that this missense variant is not expected to disrupt ROM1 protein function. In summary, the available evidence is currently insufficient to determine the role of this variant in disease. Therefore, it has been classified as a Variant of Uncertain Significance.

Illumina Laboratory Services, Illumina
Classification: Uncertain significance for Retinitis pigmentosa. Last evaluated: 2018-01-13. Review status: criteria provided, single submitter. Criteria: ICSL Variant Classification Criteria 13 December 2019. Collection method: clinical testing. Allele origin: germline.